The following is an entry in ClinVar:

NM_001103.4(ACTN2):c.625A>G (p.Ile209Val)

Gene: ACTN2 (actinin alpha 2; plus strand). Cytogenetic location: 1q43.
Variant type: single nucleotide variant.
Coding change: c.625A>G on transcript NM_001103.4 (MANE Select); coding-DNA position 625, A replaced by G.
Protein change: p.Ile209Val; replaces isoleucine 209 with valine.
Molecular consequence: missense variant. On other transcripts: non-coding transcript variant (1).
Genome position (GRCh38, 1-based): chr1:236,731,242, A>G. VCF-style: chr1-236731242-A-G. GRCh37 (hg19) VCF-style: chr1-236894542-A-G.
Other names: c.625A>G, p.Ile209Val (NM_001278343.2); short protein forms I209V.
Identifiers: ClinVar variation 3484148 (VCV003484148.1).

ClinVar aggregate classification (germline): Uncertain significance (1 of 4 stars; one submission).

Conditions:
Cardiovascular phenotype. Identifiers: MedGen CN230736.

Submission:

Ambry Genetics
Classification: Uncertain significance for Cardiovascular phenotype. Last evaluated: 2024-08-12. Review status: criteria provided, single submitter. Criteria: Ambry Variant Classification Scheme 2023. Collection method: clinical testing. Allele origin: germline.
Comment: The p.I209V variant (also known as c.625A>G), located in coding exon 7 of the ACTN2 gene, results from an A to G substitution at nucleotide position 625. The isoleucine at codon 209 is replaced by valine, an amino acid with highly similar properties. This amino acid position is conserved. In addition, this alteration is predicted to be tolerated by in silico analysis. Based on the available evidence, the clinical significance of this variant remains unclear.